The following is an entry in ClinVar:

NM_001171155.2(PET100):c.181C>T (p.Arg61Trp)

Genes: PET100 (PET100 cytochrome c oxidase chaperone; plus strand), STXBP2 (syntaxin binding protein 2; plus strand). Cytogenetic location: 19p13.2.
Variant type: single nucleotide variant.
Coding change: c.181C>T on transcript NM_001171155.2 (MANE Select); coding-DNA position 181, C replaced by T.
Protein change: p.Arg61Trp; replaces arginine 61 with tryptophan.
Molecular consequence: missense variant. On other transcripts: non-coding transcript variant (1).
Genome position (GRCh38, 1-based): chr19:7,631,515, C>T. VCF-style: chr19-7631515-C-T. GRCh37 (hg19) VCF-style: chr19-7696401-C-T.
Other names: short protein forms R61W.
Identifiers: ClinVar variation 1503159 (VCV001503159.4), dbSNP rs968644021, ClinGen allele CA304898733.

ClinVar aggregate classification (germline): Uncertain significance (1 of 4 stars; one submission).

Allele frequency attached by ClinVar (database versions not stated): gnomAD 0.00001 and 0.00002; gnomAD exomes 0.00001; TOPMed 0.00001.
gnomAD v4.1: 21 of 1,535,978 alleles (0.0014%); highest among the groups gnomAD compares: South Asian, 0.012%; no homozygotes.

Submission:

Labcorp Genetics (formerly Invitae), Labcorp
Classification: Uncertain significance. Last evaluated: 2025-08-21. Review status: criteria provided, single submitter. Criteria: Invitae Variant Classification Sherloc (09022015). Collection method: clinical testing. Allele origin: germline.
Comment: This sequence change replaces arginine, which is basic and polar, with tryptophan, which is neutral and slightly polar, at codon 61 of the PET100 protein (p.Arg61Trp). This variant is present in population databases (no rsID available, gnomAD 0.009%). This variant has not been reported in the literature in individuals affected with PET100-related conditions. ClinVar contains an entry for this variant (Variation ID: 1503159). An algorithm developed to predict the effect of missense changes on protein structure and function (PolyPhen-2) suggests that this variant is likely to be disruptive. Algorithms developed to predict the effect of sequence changes on RNA splicing suggest that this variant may disrupt the consensus splice site. In summary, the available evidence is currently insufficient to determine the role of this variant in disease. Therefore, it has been classified as a Variant of Uncertain Significance.